The following is an entry in ClinVar:

NM_000535.7(PMS2):c.112G>A (p.Ala38Thr)

Gene: PMS2 (PMS1 homolog 2, mismatch repair system component; minus strand). Cytogenetic location: 7p22.1.
Variant type: single nucleotide variant.
Coding change: c.112G>A on transcript NM_000535.7 (MANE Select); coding-DNA position 112, G replaced by A.
Protein change: p.Ala38Thr; replaces alanine 38 with threonine.
Molecular consequence: missense variant. On other transcripts: 5 prime UTR variant (38), non-coding transcript variant (1), intron variant (7).
Genome position (GRCh38, 1-based): chr7:6,005,943, C>T on the plus strand (G>A on the coding strand, the complement: PMS2 is on the minus strand). VCF-style: chr7-6005943-C-T. GRCh37 (hg19) VCF-style: chr7-6045574-C-T.
Other names: c.-294G>A (NM_001018040.1, NM_001322003.2, NM_001322005.2 and 11 more transcripts); c.112G>A, p.Ala38Thr (NM_001322006.2, NM_001322014.2, NM_001406868.1 and 10 more transcripts); c.-104G>A (NM_001322007.2, NM_001406876.1, NM_001406883.1 and 4 more transcripts); c.-773G>A (NM_001322011.2, NM_001322012.2); c.-373G>A (NM_001322015.2, NM_001406875.1, NM_001406877.1 and 2 more transcripts); c.298G>A, p.Ala100Thr (NM_001406866.1); c.-320G>A (NM_001406880.1); c.-241G>A (NM_001406888.1, NM_001406889.1, NM_001406892.1 and 5 more transcripts); and 7 more; short protein forms A38T, A100T.
Identifiers: ClinVar variation 2451622 (VCV002451622.3), dbSNP rs1554306427, ClinGen allele CA366745041.

ClinVar aggregate classification (germline): Uncertain significance (1 of 4 stars; one submission).

Conditions:
Hereditary cancer-predisposing syndrome. Also called: Hereditary Cancer Syndrome; Hereditary neoplastic syndrome; Neoplastic Syndromes, Hereditary; Tumor predisposition. Identifiers: Orphanet 140162, MedGen C0027672, MeSH D009386, MONDO:0015356.

Allele frequency attached by ClinVar (database versions not stated): gnomAD exomes below 0.00001.

Submission:

Ambry Genetics
Classification: Uncertain significance for Hereditary cancer-predisposing syndrome. Last evaluated: 2026-08-06. Review status: criteria provided, single submitter. Criteria: Ambry Variant Classification Scheme 2023. Collection method: clinical testing. Allele origin: germline.
Comment: The p.A38T variant (also known as c.112G>A), located in coding exon 2 of the PMS2 gene, results from a G to A substitution at nucleotide position 112. The alanine at codon 38 is replaced by threonine, an amino acid with similar properties. This amino acid position is highly conserved in available vertebrate species. In addition, this alteration is predicted to be deleterious by in silico analysis. Based on the available evidence, the clinical significance of this variant remains unclear.